The following is an entry in ClinVar:

ClinVar aggregate classification (germline): Likely benign (1 of 4 stars; one submission).

Conditions:
Breast-ovarian cancer, familial, susceptibility to, 1 (BROVCA1). Also called: OVARIAN CANCER, SUSCEPTIBILITY TO; BRCA1 Hereditary Breast and Ovarian Cancer. Identifiers: Orphanet 145, MedGen C2676676, MONDO:0011450, OMIM 604370. Disease mechanism: loss of function.

gnomAD v4.1: 1 of 1,614,158 alleles (0.000062%); highest among the groups gnomAD compares: Non-Finnish European, 0.000085%; no homozygotes.

Submission:

Cancer Bioinformatics and Tumour Evolution Laboratory, Monash University
Classification: Likely benign for Breast-ovarian cancer, familial, susceptibility to, 1. Last evaluated: 2026-05-01. Review status: criteria provided, single submitter. Criteria: ClinGen BRCA1 and BRCA2 Guidelines, 2024. Collection method: curation. Allele origin: germline. Inheritance: Autosomal dominant inheritance.
Comment: Missense variant outside of a functional domain with no splice impact. BRCA1 and BRCA2 VCEP guidelines recommend application of BP1_Strong (PMID: 39142283). PMID: 36833189 - Alternate variant, c.3767C>T (p.Thr1256Ile) was found in a Norwegian study. They performed a "Cycloheximide Chase Assay for Measurement of BRCA1 Protein Stability' to assess 14 missense variants. 13 were outside functional domain and one in RING domain. This assay is used to measure protein stability. It blocks protein synthesis which allows us to investigate how long existing protein takes to degrade. Longer duration till degradation indicates higher stability. This variant had 19-23% protein levels after 8h (WT had 83%), which is an intermediate range b/w path and benign. Variant classified as VUS by the study. This evidence does not pertain to the variant being investigated but it might be imprtant to investigate alternate mechanisms of pathogenicity (such as protein instability) for missense variants outside of the functional domains

Literature cited by the submitters: PubMed 36833189.

NM_007294.4(BRCA1):c.3767C>A (p.Thr1256Lys)

Genes: BRCA1 (BRCA1 DNA repair associated; minus strand), LOC126862571 (BRD4-independent group 4 enhancer GRCh37_chr17:41243136-41244335; plus strand). Cytogenetic location: 17q21.31.
Variant type: single nucleotide variant.
Coding change: c.3767C>A on transcript NM_007294.4 (MANE Select); coding-DNA position 3767, C replaced by A.
Protein change: p.Thr1256Lys; replaces threonine 1256 with lysine.
Molecular consequence: missense variant. On other transcripts: intron variant (135).
Genome position (GRCh38, 1-based): chr17:43,091,764, G>T on the plus strand (C>A on the coding strand, the complement: BRCA1 is on the minus strand). VCF-style: chr17-43091764-G-T. GRCh37 (hg19) VCF-style: chr17-41243781-G-T.
Other names: c.3626C>A, p.Thr1209Lys (NM_007297.4, NM_001407692.1, NM_001407694.1 and 29 more transcripts); c.3767C>A, p.Thr1256Lys (NM_007300.4, NM_001407581.1, NM_001407582.1 and 30 more transcripts); c.647-732C>A (NM_001408458.1, NM_001408469.1, NM_001408453.1 and 11 more transcripts); c.284-732C>A (NM_001408512.1); c.407-732C>A (NM_001408510.1); c.644-732C>A (NM_001408470.1, NM_001408464.1, NM_001408468.1 and 3 more transcripts); c.785-732C>A (NM_001408397.1, NM_001408401.1, NM_001408396.1 and 13 more transcripts); c.665-732C>A (NM_001408436.1, NM_001408444.1, NM_001408438.1 and 12 more transcripts); and 41 more; short protein forms T1088K, T1128K, T1129K, T1144K, T1145K, T1167K, T1168K, T1185K.
Identifiers: ClinVar variation 4856554 (VCV004856554.1).
Genomic context (GRCh38, chr17:43,091,764, plus strand): 5'-AATATTACCTGGTTACTGCAGTCATTTAAGCTATTCTTCAATGATAATAAATTCTCCTCT[G>T]TGTTCTTAGACAGACACTCGGTAGCAACGGTGCTATGCCTAGTAGACTGAGAAGGTATAT-3'
Protein context (NP_009225.1, residues 1246-1266): TVATECLSKN[Thr1256Lys]EENLLSLKNS